The following is an entry in ClinVar:

ClinVar aggregate classification (germline): Uncertain significance (1 of 4 stars; one submission).

Submission:

GeneDx
Classification: Uncertain significance. Last evaluated: 2024-03-18. Review status: criteria provided, single submitter. Criteria: GeneDx Variant Classification Process June 2021. Collection method: clinical testing. Allele origin: germline. Affected: yes.
Comment: Not observed at significant frequency in large population cohorts (gnomAD); In silico analysis supports that this missense variant has a deleterious effect on protein structure/function; Has not been previously published as pathogenic or benign to our knowledge

NM_007363.5(NONO):c.692A>G (p.Asp231Gly)

Gene: NONO (non-POU domain containing octamer binding; plus strand). Cytogenetic location: Xq13.1.
Variant type: single nucleotide variant.
Coding change: c.692A>G on transcript NM_007363.5 (MANE Select); coding-DNA position 692, A replaced by G.
Protein change: p.Asp231Gly; replaces aspartic acid 231 with glycine.
Molecular consequence: missense variant.
Genome position (GRCh38, 1-based): chrX:71,296,606, A>G. VCF-style: chrX-71296606-A-G. GRCh37 (hg19) VCF-style: chrX-70516456-A-G.
Other names: c.692A>G, p.Asp231Gly (NM_001145408.2, NM_001145409.2); c.425A>G, p.Asp142Gly (NM_001145410.2); short protein forms D142G, D231G.
Identifiers: ClinVar variation 3371153 (VCV003371153.1).
Genomic context (GRCh38, chrX:71,296,606, plus strand): 5'-ACTTTGTTCTTTCTTCCAGATTTCCTCGTCCTGTGACTGTGGAGCCCATGGACCAGTTAG[A>G]TGATGAAGAGGGACTTCCAGAGAAGCTGGTTATAAAAAACCAGCAATTTCACAAGTATGC-3'
Protein context (NP_031389.3, residues 221-241): PVTVEPMDQL[Asp231Gly]DEEGLPEKLV